The following is an entry in ClinVar:

NM_015488.5(PNKD):c.915G>C (p.Glu305Asp)

Genes: CATIP-AS2 (CATIP antisense RNA 2; minus strand), PNKD (PNKD metallo-beta-lactamase domain containing; plus strand). Cytogenetic location: 2q35.
Variant type: single nucleotide variant.
Coding change: c.915G>C on transcript NM_015488.5 (MANE Select); coding-DNA position 915, G replaced by C.
Protein change: p.Glu305Asp; replaces glutamic acid 305 with aspartic acid.
Molecular consequence: missense variant.
Genome position (GRCh38, 1-based): chr2:218,344,501, G>C. VCF-style: chr2-218344501-G-C. GRCh37 (hg19) VCF-style: chr2-219209224-G-C.
Other names: c.843G>C, p.Glu281Asp (NM_022572.5); short protein forms E305D, E281D.
Identifiers: ClinVar variation 409641 (VCV000409641.51), dbSNP rs201068431, ClinGen allele CA2104150.

ClinVar aggregate classification (germline): Uncertain significance. Review status: criteria provided, multiple submitters, no conflicts (2 of 4 stars). 4 submissions from 4 submitters: Uncertain significance (4). Last evaluated 2026-02-03.

Conditions:
Inborn genetic diseases. Identifiers: MedGen C0950123, MeSH D030342.
Paroxysmal nonkinesigenic dyskinesia. Also called: Paroxysmal non-kinesigenic dyskinesia. Identifiers: Orphanet 98810, MedGen C1869117, MONDO:0700088.

Allele frequency attached by ClinVar (database versions not stated): gnomAD 0.00001; ESP Exome Variant Server 0.00008; ExAC 0.00010; TOPMed 0.00001; gnomAD exomes 0.00005.

Submissions (4):

Labcorp Genetics (formerly Invitae), Labcorp
Classification: Uncertain significance for Paroxysmal nonkinesigenic dyskinesia. Last evaluated: 2026-02-03. Review status: criteria provided, single submitter. Criteria: Invitae Variant Classification Sherloc (09022015). Collection method: clinical testing. Allele origin: germline.
Comment: This sequence change replaces glutamic acid, which is acidic and polar, with aspartic acid, which is acidic and polar, at codon 305 of the PNKD protein (p.Glu305Asp). This variant is present in population databases (rs201068431, gnomAD 0.01%). This variant has not been reported in the literature in individuals affected with PNKD-related conditions. ClinVar contains an entry for this variant (Variation ID: 409641). Invitae Evidence Modeling of protein sequence and biophysical properties (such as structural, functional, and spatial information, amino acid conservation, physicochemical variation, residue mobility, and thermodynamic stability) indicates that this missense variant is not expected to disrupt PNKD protein function with a negative predictive value of 80%. In summary, the available evidence is currently insufficient to determine the role of this variant in disease. Therefore, it has been classified as a Variant of Uncertain Significance.

Women's Health and Genetics/Laboratory Corporation of America, LabCorp
Classification: Uncertain significance. Last evaluated: 2025-12-29. Review status: criteria provided, single submitter. Criteria: LabCorp Variant Classification Summary - May 2015. Collection method: clinical testing. Allele origin: germline.
Comment: Variant summary: PNKD c.915G>C (p.Glu305Asp) results in a conservative amino acid change in the encoded protein sequence. Algorithms developed to predict the effect of missense changes on protein structure and function are either unavailable or do not agree on the potential impact of this missense change. The variant allele was found at a frequency of 5.2e-05 in 213322 control chromosomes. The observed variant frequency exceeds the estimated maximal expected allele frequency for disease-causing variants in PNKD. However, studies have shown that this disease is incompletely penetrant. To our knowledge, no occurrence of c.915G>C in individuals affected with PNKD-related conditions and no experimental evidence demonstrating its impact on protein function have been reported. ClinVar contains an entry for this variant (Variation ID: 409641). Based on the evidence outlined above, the variant was classified as uncertain significance.

Ambry Genetics
Classification: Uncertain significance for Inborn genetic diseases. Last evaluated: 2025-08-27. Review status: criteria provided, single submitter. Criteria: Ambry Variant Classification Scheme 2023. Collection method: clinical testing. Allele origin: germline.

CeGaT Center for Human Genetics Tuebingen
Classification: Uncertain significance. Last evaluated: 2019-12-01. Review status: criteria provided, single submitter. Criteria: CeGaT Center For Human Genetics Tuebingen Variant Classification Criteria Version 2. Collection method: clinical testing. Allele origin: germline. Affected: yes. Observed: 3 variant alleles.